The following is an entry in ClinVar:

NM_000548.5(TSC2):c.3283A>T (p.Ser1095Cys)

Gene: TSC2 (TSC complex subunit 2; plus strand). Cytogenetic location: 16p13.3.
Variant type: single nucleotide variant.
Coding change: c.3283A>T on transcript NM_000548.5 (MANE Select); coding-DNA position 3283, A replaced by T.
Protein change: p.Ser1095Cys; replaces serine 1095 with cysteine.
Molecular consequence: missense variant. On other transcripts: non-coding transcript variant (5).
Genome position (GRCh38, 1-based): chr16:2,079,427, A>T. VCF-style: chr16-2079427-A-T. GRCh37 (hg19) VCF-style: chr16-2129428-A-T.
Other names: c.3151A>T, p.Ser1051Cys (NM_001077183.3, NM_001370404.1, NM_001406665.1); c.3283A>T, p.Ser1095Cys (NM_001114382.3); c.3043A>T, p.Ser1015Cys (NM_001318827.2); c.3007A>T, p.Ser1003Cys (NM_001318829.2); c.2551A>T, p.Ser851Cys (NM_001318831.2, NM_001406687.1, NM_001406688.1); c.3184A>T, p.Ser1062Cys (NM_001318832.2); c.3154A>T, p.Ser1052Cys (NM_001363528.2, NM_001370405.1, NM_021055.3); c.3280A>T, p.Ser1094Cys (NM_001406663.1, NM_001406664.1); and 18 more; short protein forms S1002C, S1003C, S1015C, S1032C, S1058C, S1082C, S603C, S1046C.
Identifiers: ClinVar variation 2626430 (VCV002626430.4), dbSNP rs2089847209, ClinGen allele CA394286311.
Genomic context (GRCh38, chr16:2,079,427, plus strand): 5'-ACCGGGACCCGGTCGTTACTAGGCCTGGACTCGGGGGAGCTGCAGTCCGGCCCGGAGTCG[A>T]GGTGACTGCACCTTCCTTTCCTCCGCGCCTGCCAGCCTCGACACCGGCTGTCCCGAGCCC-3'
Protein context (NP_000539.2, residues 1085-1105): SGELQSGPES[Ser1095Cys]SSPGVHVRQT

ClinVar aggregate classification (germline): Uncertain significance. Review status: criteria provided, multiple submitters, no conflicts (2 of 4 stars). 2 submissions from 2 submitters: Uncertain significance (2). Last evaluated 2025-12-28.

Conditions:
Hereditary cancer-predisposing syndrome. Also called: Tumor predisposition; Neoplastic Syndromes, Hereditary; Hereditary Cancer Syndrome; Hereditary neoplastic syndrome. Identifiers: Orphanet 140162, MedGen C0027672, MeSH D009386, MONDO:0015356.
Tuberous sclerosis 2 (TSC2). Identifiers: Orphanet 805, MedGen C1860707, MONDO:0013199, OMIM 613254.

Allele frequency attached by ClinVar (database versions not stated): gnomAD exomes below 0.00001.
gnomAD v4.1: 1 of 1,612,546 alleles (0.000062%); highest among the groups gnomAD compares: Non-Finnish European, 0.000085%; no homozygotes.

Submissions (2):

Labcorp Genetics (formerly Invitae), Labcorp
Classification: Uncertain significance for Tuberous sclerosis 2. Last evaluated: 2025-12-28. Review status: criteria provided, single submitter. Criteria: Invitae Variant Classification Sherloc (09022015). Collection method: clinical testing. Allele origin: germline.
Comment: This sequence change replaces serine, which is neutral and polar, with cysteine, which is neutral and slightly polar, at codon 1095 of the TSC2 protein (p.Ser1095Cys). This variant is not present in population databases (gnomAD no frequency). This variant has not been reported in the literature in individuals affected with TSC2-related conditions. ClinVar contains an entry for this variant (Variation ID: 2626430). An algorithm developed to predict the effect of missense changes on protein structure and function (PolyPhen-2) suggests that this variant is likely to be disruptive. Studies have shown that this missense change is associated with inconclusive levels of altered splicing (internal data). In summary, the available evidence is currently insufficient to determine the role of this variant in disease. Therefore, it has been classified as a Variant of Uncertain Significance.

Ambry Genetics
Classification: Uncertain significance for Hereditary cancer-predisposing syndrome. Last evaluated: 2025-06-16. Review status: criteria provided, single submitter. Criteria: Ambry Variant Classification Scheme 2023. Collection method: clinical testing. Allele origin: germline.
Comment: The p.S1095C variant (also known as c.3283A>T), located in coding exon 27 of the TSC2 gene, results from an A to T substitution at nucleotide position 3283. The serine at codon 1095 is replaced by cysteine, an amino acid with dissimilar properties. This amino acid position is highly conserved in available vertebrate species. In silico splice site analysis predicts that this alteration will weaken the native splice donor site. RNA studies have demonstrated that this alteration results in an incomplete splice defect; the clinical impact of this abnormal splicing is unknown at this time (Ambry internal data). In addition, as a missense variant, this alteration is predicted to be tolerated by in silico analysis. Since supporting evidence is limited at this time, the clinical significance of this alteration remains unclear.